The following is an entry in ClinVar:

ClinVar aggregate classification (germline): Uncertain significance (1 of 4 stars; one submission).

Submission:

Labcorp Genetics (formerly Invitae), Labcorp
Classification: Uncertain significance. Last evaluated: 2022-07-08. Review status: criteria provided, single submitter. Criteria: Invitae Variant Classification Sherloc (09022015). Collection method: clinical testing. Allele origin: germline.
Comment: This sequence change creates a premature translational stop signal (p.Tyr48Cysfs*24) in the CRKL gene. It is expected to result in an absent or disrupted protein product. However, the current clinical and genetic evidence is not sufficient to establish whether loss-of-function variants in CRKL cause disease. This variant is not present in population databases (gnomAD no frequency). This variant has not been reported in the literature in individuals affected with CRKL-related conditions. In summary, the available evidence is currently insufficient to determine the role of this variant in disease. Therefore, it has been classified as a Variant of Uncertain Significance.

NM_005207.4(CRKL):c.143_144del (p.Tyr48fs)

Genes: CRKL (CRK like proto-oncogene, adaptor protein; plus strand), LOC130067011 (ATAC-STARR-seq lymphoblastoid active region 18689; plus strand). Cytogenetic location: 22q11.21.
Variant type: Deletion.
Coding change: c.143_144del on transcript NM_005207.4 (MANE Select); coding-DNA positions 143 to 144, 2 bases deleted (AT; older notation c.143_144delAT).
Protein change: p.Tyr48fs; shifts the reading frame from tyrosine 48.
Molecular consequence: frameshift variant. On other transcripts: non-coding transcript variant (1).
Genome position (GRCh38, 1-based): chr22:20,918,077-20,918,078, AT deleted; deleting any 2 consecutive bases within chr22:20,918,076-20,918,078 gives the same sequence; the c. name uses the placement nearest the transcript's 3' end. VCF-style (leftmost placement, unchanged base first): chr22-20918075-CTA-C. GRCh37 (hg19) VCF-style: chr22-21272363-CTA-C.
Other names: short protein forms Y48fs.
Identifiers: ClinVar variation 2015209 (VCV002015209.4), dbSNP rs1929757497, ClinGen allele CA1024248412.